The following is an entry in ClinVar:

ClinVar aggregate classification (germline): Uncertain significance. Review status: criteria provided, multiple submitters, no conflicts (2 of 4 stars). 2 submissions from 2 submitters: Uncertain significance (2). Last evaluated 2026-08-05.

Conditions:
Bardet-Biedl syndrome 20. Identifiers: MedGen C4310707, MONDO:0023670, OMIM 619471, MONDO:0014926.
Retinitis pigmentosa 71 (RP71). Identifiers: Orphanet 791, MedGen C4225342, MONDO:0014618, OMIM 616394.
Short-rib thoracic dysplasia 10 with or without polydactyly (SRTD10). Identifiers: Orphanet 474, MedGen C3810175, MONDO:0014284, OMIM 615630.
IFT172-related disorder. Also called: IFT172-related disorders; IFT172-related condition.

gnomAD v4.1: 1 of 1,610,658 alleles (0.000062%); no homozygotes.

Submissions (2):

PreventionGenetics, part of Exact Sciences
Classification: Uncertain significance for IFT172-related condition. Last evaluated: 2026-08-05. Review status: criteria provided, single submitter. Criteria: ACMG Guidelines, 2015. Collection method: clinical testing. Allele origin: germline.
Comment: The IFT172 c.1330C>G variant is predicted to result in the amino acid substitution p.Arg444Gly. To our knowledge, this variant has not been reported in the literature or in a large population database, indicating this variant is rare. At this time, the clinical significance of this variant is uncertain due to the absence of conclusive functional and genetic evidence.

Fulgent Genetics
Classification: Uncertain significance for Short-rib thoracic dysplasia 10 with or without polydactyly; Retinitis pigmentosa 71; Bardet-Biedl syndrome 20. Last evaluated: 2024-02-27. Review status: criteria provided, single submitter. Criteria: ACMG Guidelines, 2015. Collection method: clinical testing. Allele origin: germline.

NM_015662.3(IFT172):c.1330C>G (p.Arg444Gly)

Gene: IFT172 (intraflagellar transport 172; minus strand). Cytogenetic location: 2p23.3.
Variant type: single nucleotide variant.
Coding change: c.1330C>G on transcript NM_015662.3 (MANE Select); coding-DNA position 1330, C replaced by G.
Protein change: p.Arg444Gly; replaces arginine 444 with glycine.
Molecular consequence: missense variant.
Genome position (GRCh38, 1-based): chr2:27,476,722, G>C on the plus strand (C>G on the coding strand, the complement: IFT172 is on the minus strand). VCF-style: chr2-27476722-G-C. GRCh37 (hg19) VCF-style: chr2-27699589-G-C.
Other names: c.1330C>G, p.Arg444Gly (NM_001410739.1); short protein forms R444G.
Identifiers: ClinVar variation 3351745 (VCV003351745.3).
Genomic context (GRCh38, chr2:27,476,722, plus strand): 5'-CAATAAGATAAGCCAATTTCTTATTATCTTCTGTTCCTCGCTGACACCTCTCATTAATAC[G>C]AACACTGAAACATGAAGGGTGAGGTAAGGCAAAATGGGCTGAGGTAGTTGGGATGTTTAT-3'
Protein context (NP_056477.1, residues 434-454): EFMNPHLISV[Arg444Gly]INERCQRGTE